The following is an entry in ClinVar:

ClinVar aggregate classification (germline): Conflicting classifications of pathogenicity. Review status: criteria provided, conflicting classifications (1 of 4 stars). 3 submissions from 3 submitters: Uncertain significance (2); Likely benign (1). Last evaluated 2026-06-29.

Conditions:
Cohen syndrome (COH1). Also called: Cutis verticis gyrata, retinitis pigmentosa, and sensorineural deafness; PEPPER SYNDROME. Identifiers: Orphanet 193, MedGen C0265223, MONDO:0008999, OMIM 216550.
VPS13B-related disorder. Also called: VPS13B-related condition.
Inborn genetic diseases. Identifiers: MedGen C0950123, MeSH D030342.

Allele frequency attached by ClinVar (database versions not stated): gnomAD 0.00003; TOPMed 0.00003; ExAC 0.00004.
gnomAD v4.1: 11 of 1,614,102 alleles (0.00068%); highest among the groups gnomAD compares: East Asian, 0.013%; no homozygotes.

Submissions (3):

Ambry Genetics
Classification: Likely benign for Inborn genetic diseases. Last evaluated: 2026-06-29. Review status: criteria provided, single submitter. Criteria: Ambry Variant Classification Scheme 2023. Collection method: clinical testing. Allele origin: germline.

Labcorp Genetics (formerly Invitae), Labcorp
Classification: Uncertain significance for Cohen syndrome. Last evaluated: 2025-09-30. Review status: criteria provided, single submitter. Criteria: Invitae Variant Classification Sherloc (09022015). Collection method: clinical testing. Allele origin: germline.
Comment: This sequence change replaces methionine, which is neutral and non-polar, with leucine, which is neutral and non-polar, at codon 3570 of the VPS13B protein (p.Met3570Leu). This variant is present in population databases (rs781672013, gnomAD 0.05%). This variant has not been reported in the literature in individuals affected with VPS13B-related conditions. ClinVar contains an entry for this variant (Variation ID: 2140681). Invitae Evidence Modeling of protein sequence and biophysical properties (such as structural, functional, and spatial information, amino acid conservation, physicochemical variation, residue mobility, and thermodynamic stability) indicates that this missense variant is not expected to disrupt VPS13B protein function with a negative predictive value of 80%. Algorithms developed to predict the effect of sequence changes on RNA splicing suggest that this variant may create or strengthen a splice site. In summary, the available evidence is currently insufficient to determine the role of this variant in disease. Therefore, it has been classified as a Variant of Uncertain Significance.

PreventionGenetics, part of Exact Sciences
Classification: Uncertain significance for VPS13B-related condition. Last evaluated: 2022-09-23. Review status: criteria provided, single submitter. Criteria: ACMG Guidelines, 2015. Collection method: clinical testing. Allele origin: germline.
Comment: The VPS13B c.10633A>T variant is predicted to result in the amino acid substitution p.Met3545Leu. To our knowledge, this variant has not been reported in the literature. This variant is reported in 0.045% of alleles in individuals of East Asian descent in gnomAD. At this time, the clinical significance of this variant is uncertain due to the absence of conclusive functional and genetic evidence.

Literature cited by the submitters: PubMed 36413997 (cited by Ambry Genetics).

NM_152564.5(VPS13B):c.10633A>T (p.Met3545Leu)

Gene: VPS13B (vacuolar protein sorting 13 homolog B; plus strand). Cytogenetic location: 8q22.2.
Variant type: single nucleotide variant.
Coding change: c.10633A>T on transcript NM_152564.5 (MANE Select); coding-DNA position 10633, A replaced by T.
Protein change: p.Met3545Leu; replaces methionine 3545 with leucine.
Molecular consequence: missense variant.
Genome position (GRCh38, 1-based): chr8:99,854,022, A>T. VCF-style: chr8-99854022-A-T. GRCh37 (hg19) VCF-style: chr8-100866250-A-T.
Other names: c.10708A>T, p.Met3570Leu (NM_017890.5); c.10708A>T (NM_017890.3); short protein forms M3545L, M3570L.
Identifiers: ClinVar variation 2140681 (VCV002140681.5), dbSNP rs781672013, ClinGen allele CA4824987.